The following is an entry in ClinVar:

NM_005677.4(COLQ):c.1117G>A (p.Gly373Ser)

Gene: COLQ (collagen like tail subunit of asymmetric acetylcholinesterase; minus strand). Cytogenetic location: 3p25.1.
Variant type: single nucleotide variant.
Coding change: c.1117G>A on transcript NM_005677.4 (MANE Select); coding-DNA position 1117, G replaced by A.
Protein change: p.Gly373Ser; replaces glycine 373 with serine.
Molecular consequence: missense variant.
Genome position (GRCh38, 1-based): chr3:15,455,977, C>T on the plus strand (G>A on the coding strand, the complement: COLQ is on the minus strand). VCF-style: chr3-15455977-C-T. GRCh37 (hg19) VCF-style: chr3-15497484-C-T.
Other names: c.1087G>A, p.Gly363Ser (NM_080538.2); c.1015G>A, p.Gly339Ser (NM_080539.4); short protein forms G373S, G339S, G363S.
Identifiers: ClinVar variation 960089 (VCV000960089.6), dbSNP rs202019416, ClinGen allele CA70601538.

ClinVar aggregate classification (germline): Conflicting classifications of pathogenicity. Review status: criteria provided, conflicting classifications (1 of 4 stars). 2 submissions from 2 submitters: Uncertain significance (1); Likely benign (1). Last evaluated 2022-09-06.

Conditions:
Inborn genetic diseases. Identifiers: MedGen C0950123, MeSH D030342.
Congenital myasthenic syndrome 5. Identifiers: Orphanet 590, MedGen C1864233, MONDO:0011281, OMIM 603034.

Allele frequency attached by ClinVar (database versions not stated): gnomAD exomes 0.00001 and 0.00002; gnomAD 0.00007 and 0.00008; TOPMed 0.00007; 1000 Genomes Project 0.00020; 1000 Genomes Project 30x 0.00031.

Submissions (2):

Ambry Genetics
Classification: Likely benign for Inborn genetic diseases. Last evaluated: 2022-09-06. Review status: criteria provided, single submitter. Criteria: Ambry Variant Classification Scheme 2023. Collection method: clinical testing. Allele origin: germline.

Labcorp Genetics (formerly Invitae), Labcorp
Classification: Uncertain significance for Congenital myasthenic syndrome 5. Last evaluated: 2022-08-10. Review status: criteria provided, single submitter. Criteria: Invitae Variant Classification Sherloc (09022015). Collection method: clinical testing. Allele origin: germline.
Comment: This sequence change replaces glycine, which is neutral and non-polar, with serine, which is neutral and polar, at codon 373 of the COLQ protein (p.Gly373Ser). This variant is present in population databases (rs202019416, gnomAD 0.009%). This variant has not been reported in the literature in individuals affected with COLQ-related conditions. ClinVar contains an entry for this variant (Variation ID: 960089). Algorithms developed to predict the effect of missense changes on protein structure and function output the following: SIFT: "Tolerated"; PolyPhen-2: "Not Available"; Align-GVGD: "Class C0". The serine amino acid residue is found in multiple mammalian species, which suggests that this missense change does not adversely affect protein function. In summary, the available evidence is currently insufficient to determine the role of this variant in disease. Therefore, it has been classified as a Variant of Uncertain Significance.